The following is an entry in ClinVar:

NC_000016.9:g.(?_84046586)_(84126922_?)dup

Genes: MBTPS1 (membrane bound transcription factor peptidase, site 1; minus strand), SLC38A8 (solute carrier family 38 member 8; minus strand). Cytogenetic location: 16q23.3.
Variant type: Duplication.
Identifiers: ClinVar variation 2424758 (VCV002424758.3).

ClinVar aggregate classification (germline): Uncertain significance (1 of 4 stars; one submission).

Submission:

Labcorp Genetics (formerly Invitae), Labcorp
Classification: Uncertain significance. Last evaluated: 2022-04-23. Review status: criteria provided, single submitter. Criteria: Invitae Variant Classification Sherloc (09022015). Collection method: clinical testing. Allele origin: germline.
Comment: This variant results in a copy number gain of the genomic region encompassing exon(s) 6-23 of the MBTPS1 gene. This region includes the termination codon of the gene. This copy number gain is a tandem duplication that extends beyond the assayed region for this gene and encompasses part of an adjacent gene, SLC38A8. This variant has not been reported in the literature in individuals affected with MBTPS1-related conditions. In summary, the available evidence is currently insufficient to determine the role of this variant in disease. Therefore, it has been classified as a Variant of Uncertain Significance.